The following is an entry in ClinVar:

NM_017635.5(KMT5B):c.658C>T (p.Arg220Ter)

Gene: KMT5B (lysine methyltransferase 5B; minus strand). Cytogenetic location: 11q13.2.
Variant type: single nucleotide variant.
Coding change: c.658C>T on transcript NM_017635.5 (MANE Select); coding-DNA position 658, C replaced by T.
Protein change: p.Arg220Ter; replaces arginine 220 with a stop codon.
Molecular consequence: nonsense. On other transcripts: intron variant (1), non-coding transcript variant (2).
Genome position (GRCh38, 1-based): chr11:68,171,705, G>A on the plus strand (C>T on the coding strand, the complement: KMT5B is on the minus strand). VCF-style: chr11-68171705-G-A. GRCh37 (hg19) VCF-style: chr11-67939172-G-A.
Other names: c.-14-49C>T (NM_001300908.2); c.658C>T, p.Arg220Ter (NM_016028.4, NM_001369427.1, NM_001369426.1 and 1 more transcripts); c.142C>T, p.Arg48Ter (NM_001369433.1, NM_001369432.1, NM_001369431.1 and 5 more transcripts); c.445C>T, p.Arg149Ter (NM_001369425.1); c.589C>T, p.Arg197Ter (NM_001300909.2); short protein forms R220*, R197*, R48*, R149*.
Identifiers: ClinVar variation 521728 (VCV000521728.5), dbSNP rs1555028206, ClinGen allele CA381605484.

ClinVar aggregate classification (germline): Pathogenic. Review status: criteria provided, multiple submitters, no conflicts (2 of 4 stars). 2 submissions from 2 submitters: Pathogenic (2). Last evaluated 2026-02-13.

Conditions:
Inborn genetic diseases. Identifiers: MedGen C0950123, MeSH D030342.

Submissions (2):

GeneDx
Classification: Pathogenic. Last evaluated: 2026-02-13. Review status: criteria provided, single submitter. Criteria: GeneDx Variant Classification Process June 2021. Collection method: clinical testing. Allele origin: germline.
Comment: Nonsense variant predicted to result in protein truncation or nonsense mediated decay in a gene for which loss of function is a known mechanism of disease; Not observed at significant frequency in large population cohorts (gnomAD); This variant is associated with the following publications: (PMID: 33057194, 35982159, 35331928, 36897941)

Ambry Genetics
Classification: Pathogenic for Inborn genetic diseases. Last evaluated: 2017-05-08. Review status: criteria provided, single submitter. Criteria: Ambry exome assertion method (8-5-2015). Collection method: clinical testing. Allele origin: germline. Affected: yes. Observed: 1 variant allele.